The following is an entry in ClinVar:

ClinVar aggregate classification (germline): Uncertain significance (1 of 4 stars; one submission).

gnomAD v4.1: 4 of 1,537,308 alleles (0.00026%); highest among the groups gnomAD compares: Non-Finnish European, 0.00035%; no homozygotes.

Submission:

Labcorp Genetics (formerly Invitae), Labcorp
Classification: Uncertain significance. Last evaluated: 2024-10-16. Review status: criteria provided, single submitter. Criteria: Invitae Variant Classification Sherloc (09022015). Collection method: clinical testing. Allele origin: germline.
Comment: This sequence change replaces valine, which is neutral and non-polar, with methionine, which is neutral and non-polar, at codon 1585 of the RNF213 protein (p.Val1585Met). This variant is not present in population databases (gnomAD no frequency). This variant has not been reported in the literature in individuals affected with RNF213-related conditions. Invitae Evidence Modeling of protein sequence and biophysical properties (such as structural, functional, and spatial information, amino acid conservation, physicochemical variation, residue mobility, and thermodynamic stability) indicates that this missense variant is not expected to disrupt RNF213 protein function with a negative predictive value of 95%. In summary, the available evidence is currently insufficient to determine the role of this variant in disease. Therefore, it has been classified as a Variant of Uncertain Significance.

NM_001256071.3(RNF213):c.4753G>A (p.Val1585Met)

Gene: RNF213 (ring finger protein 213; plus strand). Cytogenetic location: 17q25.3.
Variant type: single nucleotide variant.
Coding change: c.4753G>A on transcript NM_001256071.3 (MANE Select); coding-DNA position 4753, G replaced by A.
Protein change: p.Val1585Met; replaces valine 1585 with methionine.
Molecular consequence: missense variant.
Genome position (GRCh38, 1-based): chr17:80,337,917, G>A. VCF-style: chr17-80337917-G-A. GRCh37 (hg19) VCF-style: chr17-78311717-G-A.
Other names: c.4900G>A, p.Val1634Met (NM_001410195.1, NM_020914.5); short protein forms V1634M, V1585M.
Identifiers: ClinVar variation 2882059 (VCV002882059.3), dbSNP rs1170752314, ClinGen allele CA401385856.